The following is an entry in ClinVar:

ClinVar aggregate classification (germline): Uncertain significance (1 of 4 stars; one submission).

Submission:

Dasa
Classification: Uncertain significance. Last evaluated: 2025-04-11. Review status: criteria provided, single submitter. Criteria: DASA Assertion Criteria. Collection method: clinical testing. Allele origin: germline.
Comment: NM_007118.4(TRIO):c.8617G>A (p.Asp2873Asn) is a missense variant that results in the substitution of aspartic acid with asparagine. This variant is absent from population databases. Computational prediction algorithms are consistent with a benign effect. The currently available literature and clinical evidence are not sufficient to establish a definitive association between this variant and the reported condition. Therefore, this variant is classified as a variant of uncertain significance.

NM_007118.4(TRIO):c.8617G>A (p.Asp2873Asn)

Gene: TRIO (trio Rho guanine nucleotide exchange factor; plus strand). Cytogenetic location: 5p15.2.
Variant type: single nucleotide variant.
Coding change: c.8617G>A on transcript NM_007118.4 (MANE Select); coding-DNA position 8617, G replaced by A.
Protein change: p.Asp2873Asn; replaces aspartic acid 2873 with asparagine.
Molecular consequence: missense variant. On other transcripts: non-coding transcript variant (1).
Genome position (GRCh38, 1-based): chr5:14,507,126, G>A. VCF-style: chr5-14507126-G-A. GRCh37 (hg19) VCF-style: chr5-14507235-G-A.
Other names: short protein forms D2873N.
Identifiers: ClinVar variation 4881118 (VCV004881118.2).